The following is an entry in ClinVar:

NM_000179.3(MSH6):c.2803T>C (p.Ser935Pro)

Gene: MSH6 (mutS homolog 6; plus strand). Cytogenetic location: 2p16.3.
Variant type: single nucleotide variant.
Coding change: c.2803T>C on transcript NM_000179.3 (MANE Select); coding-DNA position 2803, T replaced by C.
Protein change: p.Ser935Pro; replaces serine 935 with proline.
Molecular consequence: missense variant.
Genome position (GRCh38, 1-based): chr2:47,800,786, T>C. VCF-style: chr2-47800786-T-C. GRCh37 (hg19) VCF-style: chr2-48027925-T-C.
Other names: c.2413T>C, p.Ser805Pro (NM_001281492.2); c.1897T>C, p.Ser633Pro (NM_001281493.2, NM_001281494.2); short protein forms S805P, S633P, S935P.
Identifiers: ClinVar variation 949108 (VCV000949108.14), dbSNP rs1669512980, ClinGen allele CA346755593.
Genomic context (GRCh38, chr2:47,800,786, plus strand): 5'-GCCTTTGACCATGAAAAGGCTCGAAAGACTGGACTTATTACTCCCAAAGCAGGCTTTGAC[T>C]CTGATTATGACCAAGCTCTTGCTGACATAAGAGAAAATGAACAGAGCCTCCTGGAATACC-3'
Protein context (NP_000170.1, residues 925-945): GLITPKAGFD[Ser935Pro]DYDQALADIR

ClinVar aggregate classification (germline): Uncertain significance. Review status: criteria provided, multiple submitters, no conflicts (2 of 4 stars). 4 submissions from 4 submitters: Uncertain significance (4). Last evaluated 2024-08-12.

Conditions:
Hereditary nonpolyposis colorectal neoplasms. Identifiers: MedGen C0009405, MeSH D003123.
Hereditary cancer-predisposing syndrome. Also called: Hereditary neoplastic syndrome; Neoplastic Syndromes, Hereditary; Tumor predisposition; Hereditary Cancer Syndrome. Identifiers: Orphanet 140162, MedGen C0027672, MeSH D009386, MONDO:0015356.

Submissions (4):

Labcorp Genetics (formerly Invitae), Labcorp
Classification: Uncertain significance for Hereditary nonpolyposis colorectal neoplasms. Last evaluated: 2024-08-12. Review status: criteria provided, single submitter. Criteria: Invitae Variant Classification Sherloc (09022015). Collection method: clinical testing. Allele origin: germline.
Comment: This sequence change replaces serine, which is neutral and polar, with proline, which is neutral and non-polar, at codon 935 of the MSH6 protein (p.Ser935Pro). This variant is not present in population databases (gnomAD no frequency). This variant has not been reported in the literature in individuals affected with MSH6-related conditions. ClinVar contains an entry for this variant (Variation ID: 949108). Advanced modeling of protein sequence and biophysical properties (such as structural, functional, and spatial information, amino acid conservation, physicochemical variation, residue mobility, and thermodynamic stability) performed at Invitae indicates that this missense variant is not expected to disrupt MSH6 protein function with a negative predictive value of 95%. In summary, the available evidence is currently insufficient to determine the role of this variant in disease. Therefore, it has been classified as a Variant of Uncertain Significance.

Quest Diagnostics Nichols Institute San Juan Capistrano
Classification: Uncertain significance. Last evaluated: 2024-04-12. Review status: criteria provided, single submitter. Criteria: Quest Diagnostics criteria. Collection method: clinical testing. Allele origin: unknown.
Comment: The MSH6 c.2803T>C (p.Ser935Pro) variant has not been reported in individuals with MSH6-related conditions in the published literature. It also has not been reported in large, multi-ethnic general populations (Genome Aggregation Database). Analysis of this variant using bioinformatics tools for the prediction of the effect of amino acid changes on protein structure and function yielded predictions that this variant is benign. Based on the available information, we are unable to determine the clinical significance of this variant.

Sema4
Classification: Uncertain significance for Hereditary cancer-predisposing syndrome. Last evaluated: 2022-03-06. Review status: criteria provided, single submitter. Criteria: Sema4 Curation Guidelines. Collection method: curation. Allele origin: germline.
Comment: The MSH6 c.2803T>C (p.S935P) variant has been reported in 1/60466 breast cancer cases and 0/53461 healthy controls by a large case-control study (PMID: 33471991). This variant is not reported in the population database Genome Aggregation Database (PMID: 32461654). The variant has been reported in ClinVar (Variation ID 949108). Functional studies have not been performed, and in silico predictions of the variant's effect on protein function are inconclusive. The evidence is insufficient to meet ACMG/AMP criteria for classifying the variant as benign or pathogenic. Thus, the clinical significance of this variant is currently uncertain.

Ambry Genetics
Classification: Uncertain significance for Hereditary cancer-predisposing syndrome. Last evaluated: 2022-02-13. Review status: criteria provided, single submitter. Criteria: Ambry Variant Classification Scheme 2023. Collection method: clinical testing. Allele origin: germline.
Comment: The p.S935P variant (also known as c.2803T>C), located in coding exon 4 of the MSH6 gene, results from a T to C substitution at nucleotide position 2803. The serine at codon 935 is replaced by proline, an amino acid with similar properties. This amino acid position is conserved. In addition, this alteration is predicted to be tolerated by in silico analysis. Since supporting evidence is limited at this time, the clinical significance of this alteration remains unclear.

Literature cited by the submitters: PubMed 33471991 (cited by Quest Diagnostics Nichols Institute San Juan Capistrano and Sema4).